The following is an entry in ClinVar:

NM_022168.4(IFIH1):c.2750G>A (p.Gly917Glu)

Gene: IFIH1 (interferon induced with helicase C domain 1; minus strand). Cytogenetic location: 2q24.2.
Variant type: single nucleotide variant.
Coding change: c.2750G>A on transcript NM_022168.4 (MANE Select); coding-DNA position 2750, G replaced by A.
Protein change: p.Gly917Glu; replaces glycine 917 with glutamic acid.
Molecular consequence: missense variant.
Genome position (GRCh38, 1-based): chr2:162,268,144, C>T on the plus strand (G>A on the coding strand, the complement: IFIH1 is on the minus strand). VCF-style: chr2-162268144-C-T. GRCh37 (hg19) VCF-style: chr2-163124654-C-T.
Other names: short protein forms G917E.
Identifiers: ClinVar variation 1450535 (VCV001450535.8), dbSNP rs1690961624, ClinGen allele CA348990851.

ClinVar aggregate classification (germline): Uncertain significance (1 of 4 stars; one submission).

Conditions:
Singleton-Merten syndrome 1 (SGMRT1). Also called: Syndrome of widened medullary cavities of the metacarpals and phalanges, aortic calcification and abnormal dentition; Widened medullary cavities of bone, aortic calcification, abnormal dentition, and muscular weakness. Identifiers: Orphanet 85191, MedGen C4225427, MONDO:0024535, OMIM 182250.
Aicardi-Goutieres syndrome 7 (AGS7). Identifiers: Orphanet 51, MedGen C3888244, MONDO:0014367, OMIM 615846.

Allele frequency attached by ClinVar (database versions not stated): gnomAD 0.00001; TOPMed 0.00001.
gnomAD v4.1: 1 of 1,612,110 alleles (0.000062%); highest among the groups gnomAD compares: African/African-American, 0.0013%; no homozygotes.

Submission:

Labcorp Genetics (formerly Invitae), Labcorp
Classification: Uncertain significance for Aicardi-Goutieres syndrome 7; Singleton-Merten syndrome 1. Last evaluated: 2025-06-05. Review status: criteria provided, single submitter. Criteria: Invitae Variant Classification Sherloc (09022015). Collection method: clinical testing. Allele origin: germline.
Comment: This sequence change replaces glycine, which is neutral and non-polar, with glutamic acid, which is acidic and polar, at codon 917 of the IFIH1 protein (p.Gly917Glu). This variant is not present in population databases (gnomAD no frequency). This variant has not been reported in the literature in individuals affected with IFIH1-related conditions. ClinVar contains an entry for this variant (Variation ID: 1450535). Invitae Evidence Modeling of protein sequence and biophysical properties (such as structural, functional, and spatial information, amino acid conservation, physicochemical variation, residue mobility, and thermodynamic stability) has been performed for this missense variant. However, the output from this modeling did not meet the statistical confidence thresholds required to predict the impact of this variant on IFIH1 protein function. In summary, the available evidence is currently insufficient to determine the role of this variant in disease. Therefore, it has been classified as a Variant of Uncertain Significance.